The following is an entry in ClinVar:

ClinVar aggregate classification (germline): Likely benign (0 of 4 stars; one submission).

Conditions:
DROSHA-related disorder. Also called: DROSHA-related condition.

Allele frequency attached by ClinVar (database versions not stated): 1000 Genomes Project 30x 0.00078; 1000 Genomes Project 0.00080; ExAC 0.00092; gnomAD exomes 0.00097; gnomAD 0.00098; ESP Exome Variant Server 0.00101; TOPMed 0.00104.
gnomAD v4.1: 1,561 of 1,611,966 alleles (0.097%); highest among the groups gnomAD compares: Admixed American, 0.18%; 1 homozygote.

Submission:

PreventionGenetics, part of Exact Sciences
Classification: Likely benign for DROSHA-related condition. Last evaluated: 2021-08-04. Review status: no assertion criteria provided. Collection method: clinical testing. Allele origin: germline.
Comment: This variant is classified as likely benign based on ACMG/AMP sequence variant interpretation guidelines (Richards et al. 2015 PMID: 25741868, with internal and published modifications).

NM_001382508.1(DROSHA):c.3169C>T (p.Leu1057=)

Gene: DROSHA (drosha ribonuclease III; minus strand). Cytogenetic location: 5p13.3.
Variant type: single nucleotide variant.
Coding change: c.3169C>T on transcript NM_001382508.1 (MANE Select); coding-DNA position 3169, C replaced by T.
Protein change: p.Leu1057=; no amino-acid change (leucine 1057 retained).
Molecular consequence: synonymous variant.
Genome position (GRCh38, 1-based): chr5:31,429,522, G>A on the plus strand (C>T on the coding strand, the complement: DROSHA is on the minus strand). VCF-style: chr5-31429522-G-A. GRCh37 (hg19) VCF-style: chr5-31429629-G-A.
Other names: c.3058C>T, p.Leu1020= (NM_001100412.2); c.3169C>T, p.Leu1057= (NM_013235.5).
Identifiers: ClinVar variation 3041551 (VCV003041551.2), dbSNP rs61751195, ClinGen allele CA3217252.